The following is an entry in ClinVar:

NM_001364905.1(LRBA):c.2466T>G (p.Ile822Met)

Gene: LRBA (LPS responsive beige-like anchor protein; minus strand). Cytogenetic location: 4q31.3.
Variant type: single nucleotide variant.
Coding change: c.2466T>G on transcript NM_001364905.1 (MANE Select); coding-DNA position 2466, T replaced by G.
Protein change: p.Ile822Met; replaces isoleucine 822 with methionine.
Molecular consequence: missense variant.
Genome position (GRCh38, 1-based): chr4:150,868,289, A>C on the plus strand (T>G on the coding strand, the complement: LRBA is on the minus strand). VCF-style: chr4-150868289-A-C. GRCh37 (hg19) VCF-style: chr4-151789441-A-C.
Other names: p.Ile822Met; c.2466T>G, p.Ile822Met (NM_001199282.3, NM_001367550.1, NM_006726.5); short protein forms I822M.
Identifiers: ClinVar variation 725374 (VCV000725374.28), dbSNP rs530949155, ClinGen allele CA3103230.

ClinVar aggregate classification (germline): Conflicting classifications of pathogenicity. Review status: criteria provided, conflicting classifications (1 of 4 stars). 5 submissions from 5 submitters: Uncertain significance (1); Benign (1); Likely benign (3). Last evaluated 2026-01-22.

Conditions:
Combined immunodeficiency due to LRBA deficiency. Also called: Common variable immunodeficiency 8, with autoimmunity. Identifiers: Orphanet 445018, MedGen C3553512, MONDO:0013863, OMIM 614700.

Allele frequency attached by ClinVar (database versions not stated): gnomAD 0.00002 and 0.00021; TOPMed 0.00004; gnomAD exomes 0.00034 and 0.00067; ExAC 0.00067; 1000 Genomes Project 30x 0.00094; 1000 Genomes Project 0.00100.
gnomAD v4.1: 527 of 1,611,464 alleles (0.033%); highest among the groups gnomAD compares: South Asian, 0.54%; 5 homozygotes.

Submissions (5):

Labcorp Genetics (formerly Invitae), Labcorp
Classification: Likely benign for Combined immunodeficiency due to LRBA deficiency. Last evaluated: 2026-01-22. Review status: criteria provided, single submitter. Criteria: Invitae Variant Classification Sherloc (09022015). Collection method: clinical testing. Allele origin: germline.

Mayo Clinic Laboratories, Mayo Clinic
Classification: Likely benign. Last evaluated: 2025-11-05. Review status: criteria provided, single submitter. Criteria: ACMG Guidelines, 2015. Collection method: clinical testing. Allele origin: germline. Observed: 1 variant allele.
Comment: BS1, BP4

GeneDx
Classification: Uncertain significance. Last evaluated: 2025-09-04. Review status: criteria provided, single submitter. Criteria: GeneDx Variant Classification Process June 2021. Collection method: clinical testing. Allele origin: germline.
Comment: Reported in an individual with very early onset inflammatory bowel disease (PMID: 26193622); In silico analysis indicates that this missense variant does not alter protein structure/function; This variant is associated with the following publications: (PMID: 39844836, 26193622)

CeGaT Center for Human Genetics Tuebingen
Classification: Benign. Last evaluated: 2025-02-01. Review status: criteria provided, single submitter. Criteria: CeGaT Center For Human Genetics Tuebingen Variant Classification Criteria Version 2. Collection method: clinical testing. Allele origin: germline. Affected: yes. Observed: 1 variant allele.
Comment: LRBA: BS1, BS2

Blueprint Genetics
Classification: Likely benign. Last evaluated: 2024-11-18. Review status: criteria provided, single submitter. Criteria: ACMG Guidelines, 2015. Collection method: clinical testing. Allele origin: germline.

Literature cited by the submitters: PubMed 26193622 (cited by Mayo Clinic Laboratories, Mayo Clinic).